The following is an entry in ClinVar:

NM_001103.4(ACTN2):c.1719G>C (p.Gln573His)

Gene: ACTN2 (actinin alpha 2; plus strand). Cytogenetic location: 1q43.
Variant type: single nucleotide variant.
Coding change: c.1719G>C on transcript NM_001103.4 (MANE Select); coding-DNA position 1719, G replaced by C.
Protein change: p.Gln573His; replaces glutamine 573 with histidine.
Molecular consequence: missense variant. On other transcripts: non-coding transcript variant (1).
Genome position (GRCh38, 1-based): chr1:236,751,532, G>C. VCF-style: chr1-236751532-G-C. GRCh37 (hg19) VCF-style: chr1-236914832-G-C.
Other names: c.1719G>C, p.Gln573His (NM_001278343.2); short protein forms Q573H.
Identifiers: ClinVar variation 3344803 (VCV003344803.1).
Genomic context (GRCh38, chr1:236,751,532, plus strand): 5'-TCTGATCACTGCGCATGAGCAGTTCAAGGCCACGCTGCCCGAGGCGGACGGAGAGCGGCA[G>C]TCCATCATGGCCATCCAGAACGAGGTGGAGAAGGTGATTCAGAGCTACAACATCAGAATC-3'
Protein context (NP_001094.1, residues 563-583): ATLPEADGER[Gln573His]SIMAIQNEVE

ClinVar aggregate classification (germline): Uncertain significance (0 of 4 stars; one submission).

Conditions:
ACTN2-related disorder. Also called: ACTN2 related condition; ACTN2-related disorders.

Submission:

PreventionGenetics, part of Exact Sciences
Classification: Uncertain significance for ACTN2-related condition. Last evaluated: 2024-09-10. Review status: no assertion criteria provided. Collection method: clinical testing. Allele origin: germline.
Comment: The ACTN2 c.1719G>C variant is predicted to result in the amino acid substitution p.Gln573His. To our knowledge, this variant has not been reported in the literature or in a large population database, indicating this variant is rare. At this time, the clinical significance of this variant is uncertain due to the absence of conclusive functional and genetic evidence.